The following is an entry in ClinVar:

NM_182643.3(DLC1):c.4414C>T (p.Pro1472Ser)

Gene: DLC1 (DLC1 Rho GTPase activating protein; minus strand). Cytogenetic location: 8p22.
Variant type: single nucleotide variant.
Coding change: c.4414C>T on transcript NM_182643.3 (MANE Select); coding-DNA position 4414, C replaced by T.
Protein change: p.Pro1472Ser; replaces proline 1472 with serine.
Molecular consequence: missense variant.
Genome position (GRCh38, 1-based): chr8:13,086,342, G>A on the plus strand (C>T on the coding strand, the complement: DLC1 is on the minus strand). VCF-style: chr8-13086342-G-A. GRCh37 (hg19) VCF-style: chr8-12943851-G-A.
Other names: c.2881C>T, p.Pro961Ser (NM_001348083.1, NM_001348084.2, NM_001164271.2 and 1 more transcripts); c.3103C>T, p.Pro1035Ser (NM_006094.5); c.3205C>T, p.Pro1069Ser (NM_001316668.2); c.4414C>T, p.Pro1472Ser (NM_001348081.2); short protein forms P1472S, P1035S, P961S, P1069S.
Identifiers: ClinVar variation 422387 (VCV000422387.3), dbSNP rs1064795745, ClinGen allele CA16618596.

ClinVar aggregate classification (germline): Uncertain significance (1 of 4 stars; one submission).

gnomAD v4.1: 2 of 1,614,232 alleles (0.00012%); highest among the groups gnomAD compares: Admixed American, 0.0017%; no homozygotes.

Submission:

GeneDx
Classification: Uncertain significance. Last evaluated: 2020-09-03. Review status: criteria provided, single submitter. Criteria: GeneDx Variant Classification Process June 2021. Collection method: clinical testing. Allele origin: germline. Affected: yes.
Comment: Not observed in large population cohorts (Lek et al., 2016); In silico analysis supports that this missense variant has a deleterious effect on protein structure/function; Has not been previously published as pathogenic or benign to our knowledge